The following is an entry in ClinVar:

NM_032243.6(TXNDC2):c.786C>T (p.Ile262=)

Gene: TXNDC2 (thioredoxin domain containing 2; plus strand). Cytogenetic location: 18p11.22.
Variant type: single nucleotide variant.
Coding change: c.786C>T on transcript NM_032243.6 (MANE Select); coding-DNA position 786, C replaced by T.
Protein change: p.Ile262=; no amino-acid change (isoleucine 262 retained).
Molecular consequence: synonymous variant.
Genome position (GRCh38, 1-based): chr18:9,887,466, C>T. VCF-style: chr18-9887466-C-T. GRCh37 (hg19) VCF-style: chr18-9887463-C-T.
Other names: c.987C>T, p.Ile329= (NM_001098529.2); c.786C>T, p.Ile262= (NM_001098530.1).
Identifiers: ClinVar variation 2648569 (VCV002648569.24), dbSNP rs111251988, ClinGen allele CA295957653.
Genomic context (GRCh38, chr18:9,887,466, plus strand): 5'-CAAGGAGGGTGACATCCCCAAGTCCCCAGAAGAAGCCATCCAGCCCAAGGAGGGTGACAT[C>T]CCCAAGTCCCTAGAGGAAGCCATCCAGCCTAAGGAGGGTGACATCCCCAAGTCCCCAGAA-3'
Protein context (NP_115619.4, residues 252-272): EEAIQPKEGD[Ile262=]PKSLEEAIQP

ClinVar aggregate classification (germline): Likely benign (1 of 4 stars; one submission).

Submission:

CeGaT Center for Human Genetics Tuebingen
Classification: Likely benign. Last evaluated: 2026-01-01. Review status: criteria provided, single submitter. Criteria: CeGaT Center For Human Genetics Tuebingen Variant Classification Criteria Version 2. Collection method: clinical testing. Allele origin: germline. Affected: yes. Observed: 2 variant alleles.
Comment: TXNDC2: BP4, BP7